The following is an entry in ClinVar:

NM_000066.4(C8B):c.835A>T (p.Ile279Phe)

Gene: C8B (complement C8 beta chain; minus strand). Cytogenetic location: 1p32.2.
Variant type: single nucleotide variant.
Coding change: c.835A>T on transcript NM_000066.4 (MANE Select); coding-DNA position 835, A replaced by T.
Protein change: p.Ile279Phe; replaces isoleucine 279 with phenylalanine.
Molecular consequence: missense variant.
Genome position (GRCh38, 1-based): chr1:56,949,584, T>A on the plus strand (A>T on the coding strand, the complement: C8B is on the minus strand). VCF-style: chr1-56949584-T-A. GRCh37 (hg19) VCF-style: chr1-57415257-T-A.
Other names: c.679A>T, p.Ile227Phe (NM_001278543.2); c.649A>T, p.Ile217Phe (NM_001278544.2); short protein forms I279F, I217F, I227F.
Identifiers: ClinVar variation 1519410 (VCV001519410.14), dbSNP rs199765748, ClinGen allele CA875850.
Genomic context (GRCh38, chr1:56,949,584, plus strand): 5'-ATACGTTTAAAAGCAACAAAGACATACTTACAGTATGAGAGAATCGTTTGGTTCTCCTAA[T>A]ATAGTGTTTGCCTCGATCACTTTGACTACTGATGCCAAGTTCAAATATTCCAGGTATTTT-3'
Protein context (NP_000057.3, residues 269-289): SSQSDRGKHY[Ile279Phe]RRTKRFSHTK

ClinVar aggregate classification (germline): Uncertain significance. Review status: criteria provided, multiple submitters, no conflicts (2 of 4 stars). 2 submissions from 2 submitters: Uncertain significance (2). Last evaluated 2025-10-01.

Allele frequency attached by ClinVar (database versions not stated): gnomAD 0.00001.
gnomAD v4.1: 12 of 1,613,934 alleles (0.00074%); highest among the groups gnomAD compares: Middle Eastern, 0.016%; no homozygotes.

Submissions (2):

CeGaT Center for Human Genetics Tuebingen
Classification: Uncertain significance. Last evaluated: 2025-10-01. Review status: criteria provided, single submitter. Criteria: CeGaT Center For Human Genetics Tuebingen Variant Classification Criteria Version 2. Collection method: clinical testing. Allele origin: germline. Affected: yes. Observed: 1 variant allele.
Comment: C8B: PM2, BP4

Labcorp Genetics (formerly Invitae), Labcorp
Classification: Uncertain significance. Last evaluated: 2021-03-25. Review status: criteria provided, single submitter. Criteria: Invitae Variant Classification Sherloc (09022015). Collection method: clinical testing. Allele origin: germline.
Comment: This variant has not been reported in the literature in individuals with C8B-related conditions. In summary, the available evidence is currently insufficient to determine the role of this variant in disease. Therefore, it has been classified as a Variant of Uncertain Significance. Algorithms developed to predict the effect of missense changes on protein structure and function are either unavailable or do not agree on the potential impact of this missense change (SIFT: "Deleterious"; PolyPhen-2: "Benign"; Align-GVGD: "Class C0"). This variant is present in population databases (rs199765748, ExAC 0.006%). This sequence change replaces isoleucine with phenylalanine at codon 279 of the C8B protein (p.Ile279Phe). The isoleucine residue is moderately conserved and there is a small physicochemical difference between isoleucine and phenylalanine.